The following is an entry in ClinVar:

ClinVar aggregate classification (germline): Uncertain significance (1 of 4 stars; one submission).

Submission:

Labcorp Genetics (formerly Invitae), Labcorp
Classification: Uncertain significance. Last evaluated: 2022-06-30. Review status: criteria provided, single submitter. Criteria: Invitae Variant Classification Sherloc (09022015). Collection method: clinical testing. Allele origin: germline.
Comment: This sequence change replaces arginine, which is basic and polar, with glycine, which is neutral and non-polar, at codon 948 of the SETBP1 protein (p.Arg948Gly). This variant is not present in population databases (gnomAD no frequency). This variant has not been reported in the literature in individuals affected with SETBP1-related conditions. Algorithms developed to predict the effect of missense changes on protein structure and function are either unavailable or do not agree on the potential impact of this missense change (SIFT: "Deleterious"; PolyPhen-2: "Possibly Damaging"; Align-GVGD: "Class C0"). In summary, the available evidence is currently insufficient to determine the role of this variant in disease. Therefore, it has been classified as a Variant of Uncertain Significance.

NM_015559.3(SETBP1):c.2842C>G (p.Arg948Gly)

Gene: SETBP1 (SET binding protein 1; plus strand). Cytogenetic location: 18q12.3.
Variant type: single nucleotide variant.
Coding change: c.2842C>G on transcript NM_015559.3 (MANE Select); coding-DNA position 2842, C replaced by G.
Protein change: p.Arg948Gly; replaces arginine 948 with glycine.
Molecular consequence: missense variant.
Genome position (GRCh38, 1-based): chr18:44,952,182, C>G. VCF-style: chr18-44952182-C-G. GRCh37 (hg19) VCF-style: chr18-42532147-C-G.
Other names: c.2842C>G, p.Arg948Gly (NM_001379141.1, NM_001379142.1, NM_001410862.1); short protein forms R948G.
Identifiers: ClinVar variation 1968370 (VCV001968370.2), dbSNP rs751366974, ClinGen allele CA402322341.
Genomic context (GRCh38, chr18:44,952,182, plus strand): 5'-CTGGCCCACGAAAGCCTCAAGAAGCCAAAGCACAAGAGGAAACGGAAAAGCCTGCAAAAC[C>G]GCGATGACCTCCAGTTTCTGGCAGACCTGGAGGAGCTAATCACCAAGTTCCAAGTGTTCA-3'
Protein context (NP_056374.2, residues 938-958): HKRKRKSLQN[Arg948Gly]DDLQFLADLE